The following is an entry in ClinVar:

ClinVar aggregate classification (germline): Likely pathogenic (1 of 4 stars; one submission).

Submission:

GeneDx
Classification: Likely pathogenic. Last evaluated: 2026-10-20. Review status: criteria provided, single submitter. Criteria: GeneDx Variant Classification Process June 2021. Collection method: clinical testing. Allele origin: germline.
Comment: Frameshift variant predicted to result in abnormal protein length as the last 58 amino acids are replaced with 10 different amino acids, and other similar variants have been reported in HGMD; Not observed at significant frequency in large population cohorts (gnomAD); Has not been previously published as pathogenic or benign to our knowledge

NM_170665.4(ATP2A2):c.2951dup (p.Phe985fs)

Gene: ATP2A2 (ATPase sarcoplasmic/endoplasmic reticulum Ca2+ transporting 2; plus strand). Cytogenetic location: 12q24.11.
Variant type: Duplication.
Coding change: c.2951dup on transcript NM_170665.4 (MANE Select); coding-DNA position 2951, one base duplicated (A; older notation c.2951dupA).
Protein change: p.Phe985fs; shifts the reading frame from phenylalanine 985.
Molecular consequence: frameshift variant.
Genome position (GRCh38, 1-based): chr12:110,346,292, A duplicated; the last of 2 consecutive A bases (chr12:110,346,291-110,346,292); duplicating either gives the same sequence. VCF-style (leftmost placement, unchanged base first): chr12-110346290-C-CA. GRCh37 (hg19) VCF-style: chr12-110784095-C-CA.
Other names: c.2846dup, p.Phe950fs (NM_001413013.1); c.2951dup, p.Phe985fs (NM_001413014.1, NM_001681.4); c.2576dup, p.Phe860fs (NM_001413015.1); short protein forms F860fs, F950fs, F985fs.
Identifiers: ClinVar variation 5020064 (VCV005020064.2).